The following is an entry in ClinVar:

NM_006767.4(LZTR1):c.1289_1303del (p.His430_Gly434del)

Gene: LZTR1 (leucine zipper like post translational regulator 1; plus strand). Cytogenetic location: 22q11.21.
Variant type: Deletion.
Coding change: c.1289_1303del on transcript NM_006767.4 (MANE Select); coding-DNA positions 1289 to 1303, 15 bases deleted (ACGAGGACTACGGGC).
Protein change: p.His430_Gly434del.
Molecular consequence: inframe deletion.
Genome position (GRCh38, 1-based): chr22:20,993,690-20,993,704, ACGAGGACTACGGGC deleted; deleting any 15 consecutive bases within chr22:20,993,688-20,993,704 gives the same sequence; the c. name uses the placement nearest the transcript's 3' end. VCF-style (leftmost placement, unchanged base first): chr22-20993687-TGCACGAGGACTACGG-T. GRCh37 (hg19) VCF-style: chr22-21347976-TGCACGAGGACTACGG-T.
Identifiers: ClinVar variation 3238051 (VCV003238051.2), dbSNP rs2518619929.

ClinVar aggregate classification (germline): Uncertain significance. Review status: criteria provided, multiple submitters, no conflicts (2 of 4 stars). 2 submissions from 2 submitters: Uncertain significance (2). Last evaluated 2023-05-10.

Conditions:
Cardiovascular phenotype. Identifiers: MedGen CN230736.
Hereditary cancer-predisposing syndrome. Also called: Tumor predisposition; Hereditary Cancer Syndrome; Hereditary neoplastic syndrome; Neoplastic Syndromes, Hereditary. Identifiers: Orphanet 140162, MedGen C0027672, MeSH D009386, MONDO:0015356.

Submissions (2):

Ambry Genetics
Classification: Uncertain significance for Cardiovascular phenotype; Hereditary cancer-predisposing syndrome. Last evaluated: 2023-05-10. Review status: criteria provided, single submitter. Criteria: Ambry Variant Classification Scheme 2023. Collection method: clinical testing. Allele origin: germline.
Comment: The c.1289_1303del15 variant (also known as p.H430_G434del) is located in coding exon 12 of the LZTR1 gene. This variant results from an in-frame ACGAGGACTACGGGC deletion at nucleotide positions 1289 to 1303. This results in the in-frame deletion of five amino acids (HEDYG) at codons 430 to 434. This amino acid region is highly conserved in available vertebrate species. In addition, this alteration is predicted to be deleterious by in silico analysis (Choi Y et al. PLoS ONE. 2012; 7(10):e46688). Since supporting evidence is limited at this time, the clinical significance of this alteration remains unclear.

Blueprint Genetics
Classification: Uncertain significance. Last evaluated: 2023-01-09. Review status: criteria provided, single submitter. Criteria: ACMG Guidelines, 2015. Collection method: clinical testing. Allele origin: germline.